The following is an entry in ClinVar:

NM_006509.4(RELB):c.1721C>T (p.Pro574Leu)

Gene: RELB (RELB proto-oncogene, NF-kB subunit; plus strand). Cytogenetic location: 19q13.32.
Variant type: single nucleotide variant.
Coding change: c.1721C>T on transcript NM_006509.4 (MANE Select); coding-DNA position 1721, C replaced by T.
Protein change: p.Pro574Leu; replaces proline 574 with leucine.
Molecular consequence: missense variant.
Genome position (GRCh38, 1-based): chr19:45,037,771, C>T. VCF-style: chr19-45037771-C-T. GRCh37 (hg19) VCF-style: chr19-45541029-C-T.
Other names: short protein forms P574L.
Identifiers: ClinVar variation 1446547 (VCV001446547.7), dbSNP rs765542229, ClinGen allele CA9507941.

ClinVar aggregate classification (germline): Uncertain significance. Review status: criteria provided, multiple submitters, no conflicts (2 of 4 stars). 2 submissions from 2 submitters: Uncertain significance (2). Last evaluated 2024-10-23.

Allele frequency attached by ClinVar (database versions not stated): gnomAD 0.00001; gnomAD exomes 0.00001 and 0.00004; TOPMed 0.00002; ExAC 0.00003.
gnomAD v4.1: 14 of 1,486,168 alleles (0.00094%); highest among the groups gnomAD compares: Admixed American, 0.015%; no homozygotes.

Submissions (2):

Labcorp Genetics (formerly Invitae), Labcorp
Classification: Uncertain significance. Last evaluated: 2024-10-23. Review status: criteria provided, single submitter. Criteria: Invitae Variant Classification Sherloc (09022015). Collection method: clinical testing. Allele origin: germline.
Comment: This sequence change replaces proline, which is neutral and non-polar, with leucine, which is neutral and non-polar, at codon 574 of the RELB protein (p.Pro574Leu). This variant is present in population databases (rs765542229, gnomAD 0.02%). This variant has not been reported in the literature in individuals affected with RELB-related conditions. ClinVar contains an entry for this variant (Variation ID: 1446547). An algorithm developed to predict the effect of missense changes on protein structure and function (PolyPhen-2) suggests that this variant is likely to be disruptive. In summary, the available evidence is currently insufficient to determine the role of this variant in disease. Therefore, it has been classified as a Variant of Uncertain Significance.

Blueprint Genetics
Classification: Uncertain significance. Last evaluated: 2023-12-18. Review status: criteria provided, single submitter. Criteria: ACMG Guidelines, 2015. Collection method: clinical testing. Allele origin: germline.